The following is an entry in ClinVar:

NM_153676.4(USH1C):c.1211-1107C>T

Gene: USH1C (USH1 protein network component harmonin; minus strand). Cytogenetic location: 11p15.1.
Variant type: single nucleotide variant.
Coding change: c.1211-1107C>T on transcript NM_153676.4 (MANE Select); 1107 bases into the intron before coding-DNA position 1211, C replaced by T.
Molecular consequence: intron variant.
Genome position (GRCh38, 1-based): chr11:17,517,397, G>A on the plus strand (C>T on the coding strand, the complement: USH1C is on the minus strand). VCF-style: chr11-17517397-G-A. GRCh37 (hg19) VCF-style: chr11-17538944-G-A.
Other names: c.1227+4C>T (NM_001297764.2); c.1284+4C>T (NM_005709.4).
Identifiers: ClinVar variation 179148 (VCV000179148.8), dbSNP rs727504667, ClinGen allele CA183812.

ClinVar aggregate classification (germline): Conflicting classifications of pathogenicity. Review status: criteria provided, conflicting classifications (1 of 4 stars). 4 submissions from 4 submitters: Uncertain significance (2); Likely benign (1). 1 of the submissions does not count toward it. Last evaluated 2025-05-28.

Conditions:
Usher syndrome type 1C. Also called: USHER SYNDROME, TYPE I, ACADIAN VARIETY. Identifiers: Orphanet 231169, Orphanet 886, MedGen C1848604, MONDO:0010171, OMIM 276904.

Allele frequency attached by ClinVar (database versions not stated): gnomAD 0.00001 and 0.00002; TOPMed 0.00002; gnomAD exomes 0.00003 and 0.00007; ExAC 0.00020; 1000 Genomes Project 30x 0.00031.
gnomAD v4.1: 56 of 1,577,932 alleles (0.0035%); highest among the groups gnomAD compares: South Asian, 0.052%; no homozygotes.

Submissions (4):

Women's Health and Genetics/Laboratory Corporation of America, LabCorp
Classification: Uncertain significance. Last evaluated: 2025-05-28. Review status: criteria provided, single submitter. Criteria: LabCorp Variant Classification Summary - May 2015. Collection method: clinical testing. Allele origin: germline.

Blueprint Genetics
Classification: Likely benign. Last evaluated: 2023-08-04. Review status: criteria provided, single submitter. Criteria: ACMG Guidelines, 2015. Collection method: clinical testing. Allele origin: germline.

Laboratory for Molecular Medicine, Mass General Brigham Personalized Medicine
Classification: Uncertain significance. Last evaluated: 2013-08-16. Review status: criteria provided, single submitter. Criteria: LMM Criteria. Collection method: clinical testing. Allele origin: germline. Observed: 1 variant allele.
Comment: Variant classified as Uncertain Significance - Favor Benign. The 1284+4C>T varia nt in USH1C has not been reported in individuals with hearing loss or in large p opulation studies. This variant is located in the 5' splice region. Computationa l tools do not suggest an impact to splicing. However, this information is not p redictive enough to rule out pathogenicity. Although position +4 is part of the splice site region, the reference sequence was already divergent from consensus (normally an A at this position) and therefore this variant is less likely to di srupt splicing. In summary, the clinical significance of this variant cannot be determined with certainty; however based upon the arguments described above, we would lean towards a more likely benign role.

Natera, Inc.
Classification: Uncertain significance for Usher syndrome type 1C. Last evaluated: 2019-11-11. Review status: no assertion criteria provided. Collection method: clinical testing. Allele origin: germline. Not counted in ClinVar's aggregate classification.